The following is an entry in ClinVar:

ClinVar aggregate classification (germline): Uncertain significance. Review status: criteria provided, multiple submitters, no conflicts (2 of 4 stars). 4 submissions from 4 submitters: Uncertain significance (4). Last evaluated 2025-05-20.

Conditions:
Hereditary cancer-predisposing syndrome. Also called: Tumor predisposition; Neoplastic Syndromes, Hereditary; Hereditary neoplastic syndrome; Hereditary Cancer Syndrome. Identifiers: Orphanet 140162, MedGen C0027672, MeSH D009386, MONDO:0015356.
Ataxia-telangiectasia syndrome (AT). Also called: Ataxia-telangiectasia, complementation group D; AT, COMPLEMENTATION GROUP C; ATAXIA-TELANGIECTASIA, COMPLEMENTATION GROUP A; ATAXIA-TELANGIECTASIA, FRESNO VARIANT; Ataxia-telangiectasia; Ataxia telangiectasia (A-T). Identifiers: Orphanet 100, MedGen C0004135, MONDO:0008840, OMIM 208900.

Allele frequency attached by ClinVar (database versions not stated): gnomAD 0.00001; TOPMed 0.00002.
gnomAD v4.1: 2 of 1,613,934 alleles (0.00012%); highest among the groups gnomAD compares: African/African-American, 0.0027%; no homozygotes.

Submissions (4):

Ambry Genetics
Classification: Uncertain significance for Hereditary cancer-predisposing syndrome. Last evaluated: 2025-05-20. Review status: criteria provided, single submitter. Criteria: Ambry Variant Classification Scheme 2023. Collection method: clinical testing. Allele origin: germline.

Labcorp Genetics (formerly Invitae), Labcorp
Classification: Uncertain significance for Ataxia-telangiectasia syndrome. Last evaluated: 2025-03-31. Review status: criteria provided, single submitter. Criteria: Invitae Variant Classification Sherloc (09022015). Collection method: clinical testing. Allele origin: germline.
Comment: This sequence change replaces tyrosine, which is neutral and polar, with histidine, which is basic and polar, at codon 2791 of the ATM protein (p.Tyr2791His). This variant is not present in population databases (gnomAD no frequency). This variant has not been reported in the literature in individuals affected with ATM-related conditions. ClinVar contains an entry for this variant (Variation ID: 987841). Invitae Evidence Modeling of protein sequence and biophysical properties (such as structural, functional, and spatial information, amino acid conservation, physicochemical variation, residue mobility, and thermodynamic stability) has been performed for this missense variant. However, the output from this modeling did not meet the statistical confidence thresholds required to predict the impact of this variant on ATM protein function. In summary, the available evidence is currently insufficient to determine the role of this variant in disease. Therefore, it has been classified as a Variant of Uncertain Significance.

GeneDx
Classification: Uncertain significance. Last evaluated: 2022-09-16. Review status: criteria provided, single submitter. Criteria: GeneDx Variant Classification Process June 2021. Collection method: clinical testing. Allele origin: germline. Affected: yes.
Comment: Not observed at significant frequency in large population cohorts (gnomAD); In silico analysis supports that this missense variant has a deleterious effect on protein structure/function; Has not been previously published as pathogenic or benign to our knowledge; This variant is associated with the following publications: (PMID: 23532176)

Women's Health and Genetics/Laboratory Corporation of America, LabCorp
Classification: Uncertain significance. Last evaluated: 2020-11-27. Review status: criteria provided, single submitter. Criteria: LabCorp Variant Classification Summary - May 2015. Collection method: clinical testing. Allele origin: germline.
Comment: Variant summary: ATM c.8371T>C (p.Tyr2791His) results in a conservative amino acid change located in the Phosphatidylinositol 3-/4-kinase, catalytic domain (IPR000403) of the encoded protein sequence. Four of five in-silico tools predict a damaging effect of the variant on protein function. The variant was absent in 251236 control chromosomes. The available data on variant occurrences in the general population are insufficient to allow any conclusion about variant significance. To our knowledge, no occurrence of c.8371T>C in individuals affected with Breast Cancer and no experimental evidence demonstrating its impact on protein function have been reported. No clinical diagnostic laboratories have submitted clinical-significance assessments for this variant to ClinVar after 2014. Based on the evidence outlined above, the variant was classified as uncertain significance.

NM_000051.4(ATM):c.8371T>C (p.Tyr2791His)

Genes: ATM (ATM serine/threonine kinase; plus strand), C11orf65 (chromosome 11 open reading frame 65; minus strand). Cytogenetic location: 11q22.3.
Variant type: single nucleotide variant.
Coding change: c.8371T>C on transcript NM_000051.4 (MANE Select); coding-DNA position 8371, T replaced by C.
Protein change: p.Tyr2791His; replaces tyrosine 2791 with histidine.
Molecular consequence: missense variant. On other transcripts: intron variant (2).
Genome position (GRCh38, 1-based): chr11:108,343,324, T>C. VCF-style: chr11-108343324-T-C. GRCh37 (hg19) VCF-style: chr11-108214051-T-C.
Other names: c.8371T>C, p.Tyr2791His (NM_001351834.2); c.641-34253A>G (NM_001330368.2); c.695-8032A>G (NM_001351110.2); short protein forms Y2791H.
Identifiers: ClinVar variation 987841 (VCV000987841.13), dbSNP rs1020805015, ClinGen allele CA228364904.